The following is an entry in ClinVar:

ClinVar aggregate classification (germline): Uncertain significance (1 of 4 stars; one submission).

Conditions:
Cardiovascular phenotype. Identifiers: MedGen CN230736.

gnomAD v4.1: 1 of 1,613,136 alleles (0.000062%); highest among the groups gnomAD compares: Non-Finnish European, 0.000085%; no homozygotes.

Submission:

Ambry Genetics
Classification: Uncertain significance for Cardiovascular phenotype. Last evaluated: 2025-12-24. Review status: criteria provided, single submitter. Criteria: Ambry Variant Classification Scheme 2023. Collection method: clinical testing. Allele origin: germline.
Comment: The p.G7R variant (also known as c.19G>C), located in coding exon 1 of the TBX5 gene, results from a G to C substitution at nucleotide position 19. The glycine at codon 7 is replaced by arginine, an amino acid with dissimilar properties. This amino acid position is conserved. In addition, the in silico prediction for this alteration is inconclusive. Based on the available evidence, the clinical significance of this variant remains unclear.

NM_181486.4(TBX5):c.19G>C (p.Gly7Arg)

Gene: TBX5 (T-box transcription factor 5; minus strand). Cytogenetic location: 12q24.21.
Variant type: single nucleotide variant.
Coding change: c.19G>C on transcript NM_181486.4 (MANE Select); coding-DNA position 19, G replaced by C.
Protein change: p.Gly7Arg; replaces glycine 7 with arginine.
Molecular consequence: missense variant. On other transcripts: intron variant (1).
Genome position (GRCh38, 1-based): chr12:114,403,880, C>G on the plus strand (G>C on the coding strand, the complement: TBX5 is on the minus strand). VCF-style: chr12-114403880-C-G. GRCh37 (hg19) VCF-style: chr12-114841685-C-G.
Other names: c.19G>C, p.Gly7Arg (NM_000192.3); c.-3-1960G>C (NM_080717.4); short protein forms G7R.
Identifiers: ClinVar variation 4841588 (VCV004841588.1).